The following is an entry in ClinVar:

NM_000135.4(FANCA):c.3310A>G (p.Arg1104Gly)

Gene: FANCA (FA complementation group A; minus strand). Cytogenetic location: 16q24.3.
Variant type: single nucleotide variant.
Coding change: c.3310A>G on transcript NM_000135.4 (MANE Select); coding-DNA position 3310, A replaced by G.
Protein change: p.Arg1104Gly; replaces arginine 1104 with glycine.
Molecular consequence: missense variant.
Genome position (GRCh38, 1-based): chr16:89,748,697, T>C on the plus strand (A>G on the coding strand, the complement: FANCA is on the minus strand). VCF-style: chr16-89748697-T-C. GRCh37 (hg19) VCF-style: chr16-89815105-T-C.
Other names: c.3310A>G, p.Arg1104Gly (NM_001286167.3); short protein forms R1104G.
Identifiers: ClinVar variation 4254206 (VCV004254206.1).

ClinVar aggregate classification (germline): Uncertain significance (1 of 4 stars; one submission).

Conditions:
Inborn genetic diseases. Identifiers: MedGen C0950123, MeSH D030342.

gnomAD v4.1: 1 of 1,614,030 alleles (0.000062%); highest among the groups gnomAD compares: Non-Finnish European, 0.000085%; no homozygotes.

Submission:

Ambry Genetics
Classification: Uncertain significance for Inborn genetic diseases. Last evaluated: 2025-07-15. Review status: criteria provided, single submitter. Criteria: Ambry Variant Classification Scheme 2023. Collection method: clinical testing. Allele origin: germline.
Comment: The p.R1104G variant (also known as c.3310A>G), located in coding exon 33 of the FANCA gene, results from an A to G substitution at nucleotide position 3310. The arginine at codon 1104 is replaced by glycine, an amino acid with dissimilar properties. This amino acid position is conserved. In addition, this alteration is predicted to be tolerated by in silico analysis. Based on the available evidence, the clinical significance of this variant remains unclear.